The following is an entry in ClinVar:

ClinVar aggregate classification (germline): Uncertain significance. Review status: criteria provided, multiple submitters, no conflicts (2 of 4 stars). 2 submissions from 2 submitters: Uncertain significance (2). Last evaluated 2025-11-03.

Conditions:
Combined immunodeficiency due to LRBA deficiency. Also called: Common variable immunodeficiency 8, with autoimmunity. Identifiers: Orphanet 445018, MedGen C3553512, MONDO:0013863, OMIM 614700.

Allele frequency attached by ClinVar (database versions not stated): gnomAD exomes 0.00001; ExAC 0.00002; gnomAD 0.00002; TOPMed 0.00002; ESP Exome Variant Server 0.00008.

Submissions (2):

Labcorp Genetics (formerly Invitae), Labcorp
Classification: Uncertain significance for Combined immunodeficiency due to LRBA deficiency. Last evaluated: 2025-11-03. Review status: criteria provided, single submitter. Criteria: Invitae Variant Classification Sherloc (09022015). Collection method: clinical testing. Allele origin: germline.
Comment: This sequence change replaces methionine, which is neutral and non-polar, with valine, which is neutral and non-polar, at codon 113 of the LRBA protein (p.Met113Val). The frequency data for this variant in the population databases is considered unreliable, as metrics indicate poor data quality at this position in the gnomAD database. This variant has not been reported in the literature in individuals affected with LRBA-related conditions. ClinVar contains an entry for this variant (Variation ID: 847570). Invitae Evidence Modeling of protein sequence and biophysical properties (such as structural, functional, and spatial information, amino acid conservation, physicochemical variation, residue mobility, and thermodynamic stability) indicates that this missense variant is not expected to disrupt LRBA protein function with a negative predictive value of 80%. In summary, the available evidence is currently insufficient to determine the role of this variant in disease. Therefore, it has been classified as a Variant of Uncertain Significance.

Center for Genomics, Ann and Robert H. Lurie Children's Hospital of Chicago
Classification: Uncertain significance for Combined immunodeficiency due to LRBA deficiency. Last evaluated: 2021-05-11. Review status: criteria provided, single submitter. Criteria: ACMG Guidelines, 2015. Collection method: clinical testing. Allele origin: germline.
Comment: LRBA NM_006726.4 exon 3 p.Met113Val (c.337A>G): This variant has been reported in the literature in 1 individual with choroiditis (Li 2020 PMID:32707200). This variant is present in 0.006% (1/15274) of Latino alleles in the Genome Aggregation Database.This variant is present in ClinVar (Variation ID:847570). Evolutionary conservation for this variant is unclear; computational predictive tools suggest that this variant may not impact the protein. In summary, data on this variant is insufficient for disease classification. Therefore, the clinical significance of this variant is uncertain.

NM_001364905.1(LRBA):c.337A>G (p.Met113Val)

Gene: LRBA (LPS responsive beige-like anchor protein; minus strand). Cytogenetic location: 4q31.3.
Variant type: single nucleotide variant.
Coding change: c.337A>G on transcript NM_001364905.1 (MANE Select); coding-DNA position 337, A replaced by G.
Protein change: p.Met113Val; replaces methionine 113 with valine.
Molecular consequence: missense variant.
Genome position (GRCh38, 1-based): chr4:150,928,945, T>C on the plus strand (A>G on the coding strand, the complement: LRBA is on the minus strand). VCF-style: chr4-150928945-T-C. GRCh37 (hg19) VCF-style: chr4-151850097-T-C.
Other names: c.337A>G, p.Met113Val (NM_001199282.3, NM_001367550.1, NM_006726.5); short protein forms M113V.
Identifiers: ClinVar variation 847570 (VCV000847570.9), dbSNP rs369275377, ClinGen allele CA3103902.